The following is an entry in ClinVar:

ClinVar aggregate classification (germline): Uncertain significance (1 of 4 stars; one submission).

Conditions:
Spermatogenic failure 18. Identifiers: MedGen C4539783, MONDO:0054615, OMIM 617576.
Ciliary dyskinesia, primary, 37 (CILD37). Also called: CILIARY DYSKINESIA, PRIMARY, 37, WITH OR WITHOUT SITUS INVERSUS. Identifiers: MedGen C4539798, MONDO:0033204, OMIM 617577.

Allele frequency attached by ClinVar (database versions not stated): TOPMed below 0.00001.

Submission:

Labcorp Genetics (formerly Invitae), Labcorp
Classification: Uncertain significance for Ciliary dyskinesia, primary, 37; Spermatogenic failure 18. Last evaluated: 2023-11-14. Review status: criteria provided, single submitter. Criteria: Invitae Variant Classification Sherloc (09022015). Collection method: clinical testing. Allele origin: germline.
Comment: This sequence change replaces glutamic acid, which is acidic and polar, with lysine, which is basic and polar, at codon 789 of the DNAH1 protein (p.Glu789Lys). This variant is not present in population databases (gnomAD no frequency). This variant has not been reported in the literature in individuals affected with DNAH1-related conditions. ClinVar contains an entry for this variant (Variation ID: 644717). Advanced modeling of protein sequence and biophysical properties (such as structural, functional, and spatial information, amino acid conservation, physicochemical variation, residue mobility, and thermodynamic stability) performed at Invitae indicates that this missense variant is not expected to disrupt DNAH1 protein function with a negative predictive value of 80%. In summary, the available evidence is currently insufficient to determine the role of this variant in disease. Therefore, it has been classified as a Variant of Uncertain Significance.

NM_015512.5(DNAH1):c.2365G>A (p.Glu789Lys)

Gene: DNAH1 (dynein axonemal heavy chain 1; plus strand). Cytogenetic location: 3p21.1.
Variant type: single nucleotide variant.
Coding change: c.2365G>A on transcript NM_015512.5 (MANE Select); coding-DNA position 2365, G replaced by A.
Protein change: p.Glu789Lys; replaces glutamic acid 789 with lysine.
Molecular consequence: missense variant.
Genome position (GRCh38, 1-based): chr3:52,349,259, G>A. VCF-style: chr3-52349259-G-A. GRCh37 (hg19) VCF-style: chr3-52383275-G-A.
Other names: short protein forms E789K.
Identifiers: ClinVar variation 644717 (VCV000644717.6), dbSNP rs1578117834, ClinGen allele CA353100716.